The following is an entry in ClinVar:

NM_020738.4(KIDINS220):c.648A>G (p.Thr216=)

Gene: KIDINS220 (kinase D interacting substrate 220; minus strand). Cytogenetic location: 2p25.1.
Variant type: single nucleotide variant.
Coding change: c.648A>G on transcript NM_020738.4 (MANE Select); coding-DNA position 648, A replaced by G.
Protein change: p.Thr216=; no amino-acid change (threonine 216 retained).
Molecular consequence: synonymous variant. On other transcripts: non-coding transcript variant (2).
Genome position (GRCh38, 1-based): chr2:8,803,083, T>C on the plus strand (A>G on the coding strand, the complement: KIDINS220 is on the minus strand). VCF-style: chr2-8803083-T-C. GRCh37 (hg19) VCF-style: chr2-8943213-T-C.
Other names: c.651A>G, p.Thr217= (NM_001348729.2, NM_001348731.2, NM_001348734.2 and 3 more transcripts); c.648A>G, p.Thr216= (NM_001348732.2, NM_001348735.2, NM_001348738.2 and 3 more transcripts); c.522A>G, p.Thr174= (NM_001348736.2).
Identifiers: ClinVar variation 3358056 (VCV003358056.1).

ClinVar aggregate classification (germline): Likely benign (0 of 4 stars; one submission).

Conditions:
KIDINS220-related disorder. Also called: KIDINS220-related condition.

gnomAD v4.1: 10 of 1,612,640 alleles (0.00062%); highest among the groups gnomAD compares: African/African-American, 0.0013%; no homozygotes.

Submission:

PreventionGenetics, part of Exact Sciences
Classification: Likely benign for KIDINS220-related condition. Last evaluated: 2022-09-30. Review status: no assertion criteria provided. Collection method: clinical testing. Allele origin: germline.
Comment: This variant is classified as likely benign based on ACMG/AMP sequence variant interpretation guidelines (Richards et al. 2015 PMID: 25741868, with internal and published modifications).